The following is an entry in ClinVar:

ClinVar aggregate classification (germline): Uncertain significance (1 of 4 stars; one submission).

Conditions:
Hereditary cancer-predisposing syndrome. Also called: Hereditary neoplastic syndrome; Hereditary Cancer Syndrome; Neoplastic Syndromes, Hereditary; Tumor predisposition. Identifiers: Orphanet 140162, MedGen C0027672, MeSH D009386, MONDO:0015356.

Submission:

Ambry Genetics
Classification: Uncertain significance for Hereditary cancer-predisposing syndrome. Last evaluated: 2023-05-15. Review status: criteria provided, single submitter. Criteria: Ambry Variant Classification Scheme 2023. Collection method: clinical testing. Allele origin: germline.
Comment: The p.R304I variant (also known as c.911G>T), located in coding exon 1 of the MET gene, results from a G to T substitution at nucleotide position 911. The arginine at codon 304 is replaced by isoleucine, an amino acid with similar properties. This amino acid position is conserved. In addition, the in silico prediction for this alteration is inconclusive. Since supporting evidence is limited at this time, the clinical significance of this alteration remains unclear.

NM_000245.4(MET):c.911G>T (p.Arg304Ile)

Gene: MET (MET proto-oncogene, receptor tyrosine kinase; plus strand). Cytogenetic location: 7q31.2.
Variant type: single nucleotide variant.
Coding change: c.911G>T on transcript NM_000245.4 (MANE Select); coding-DNA position 911, G replaced by T.
Protein change: p.Arg304Ile; replaces arginine 304 with isoleucine.
Molecular consequence: missense variant. On other transcripts: intron variant (1).
Genome position (GRCh38, 1-based): chr7:116,699,995, G>T. VCF-style: chr7-116699995-G-T. GRCh37 (hg19) VCF-style: chr7-116340049-G-T.
Other names: c.911G>T, p.Arg304Ile (NM_001127500.3, NM_001324401.3); c.-91+27418G>T (NM_001324402.2); short protein forms R304I.
Identifiers: ClinVar variation 2567701 (VCV002567701.2), dbSNP rs1254719560, ClinGen allele CA368970128.